The following is an entry in ClinVar:

ClinVar aggregate classification (germline): Uncertain significance (1 of 4 stars; one submission).

gnomAD v4.1: 71 of 1,606,482 alleles (0.0044%); highest among the groups gnomAD compares: Middle Eastern, 0.033%; no homozygotes.

Submission:

Labcorp Genetics (formerly Invitae), Labcorp
Classification: Uncertain significance. Last evaluated: 2025-10-01. Review status: criteria provided, single submitter. Criteria: Invitae Variant Classification Sherloc (09022015). Collection method: clinical testing. Allele origin: germline.
Comment: This sequence change replaces arginine, which is basic and polar, with glutamine, which is neutral and polar, at codon 248 of the PPM1F protein (p.Arg248Gln). This variant is present in population databases (no rsID available, gnomAD 0.005%). This variant has not been reported in the literature in individuals affected with PPM1F-related conditions. An algorithm developed to predict the effect of missense changes on protein structure and function (PolyPhen-2) suggests that this variant is likely to be disruptive. In summary, the available evidence is currently insufficient to determine the role of this variant in disease. Therefore, it has been classified as a Variant of Uncertain Significance.

NM_014634.4(PPM1F):c.743G>A (p.Arg248Gln)

Gene: PPM1F (protein phosphatase, Mg2+/Mn2+ dependent 1F; minus strand). Cytogenetic location: 22q11.22.
Variant type: single nucleotide variant.
Coding change: c.743G>A on transcript NM_014634.4 (MANE Select); coding-DNA position 743, G replaced by A.
Protein change: p.Arg248Gln; replaces arginine 248 with glutamine.
Molecular consequence: missense variant.
Genome position (GRCh38, 1-based): chr22:21,933,395, C>T on the plus strand (G>A on the coding strand, the complement: PPM1F is on the minus strand). VCF-style: chr22-21933395-C-T. GRCh37 (hg19) VCF-style: chr22-22287767-C-T.
Other names: c.239G>A, p.Arg80Gln (NM_001410836.1); short protein forms R248Q, R80Q.
Identifiers: ClinVar variation 4802932 (VCV004802932.1).